The following is an entry in ClinVar:

ClinVar aggregate classification (germline): Uncertain significance. Review status: criteria provided, multiple submitters, no conflicts (2 of 4 stars). 2 submissions from 2 submitters: Uncertain significance (2). Last evaluated 2025-12-11.

Conditions:
Cardiovascular phenotype. Identifiers: MedGen CN230736.
Noonan syndrome 9 (NS9). Identifiers: Orphanet 648, MedGen C4225282, MONDO:0014691, OMIM 616559.

Submissions (2):

Ambry Genetics
Classification: Uncertain significance for Cardiovascular phenotype. Last evaluated: 2025-12-11. Review status: criteria provided, single submitter. Criteria: Ambry Variant Classification Scheme 2023. Collection method: clinical testing. Allele origin: germline.
Comment: The p.S482I variant (also known as c.1445G>T), located in coding exon 10 of the SOS2 gene, results from a G to T substitution at nucleotide position 1445. The serine at codon 482 is replaced by isoleucine, an amino acid with dissimilar properties. This amino acid position is conserved. In addition, the in silico prediction for this alteration is inconclusive. Based on the available evidence, the clinical significance of this variant remains unclear.

Labcorp Genetics (formerly Invitae), Labcorp
Classification: Uncertain significance for Noonan syndrome 9. Last evaluated: 2021-10-21. Review status: criteria provided, single submitter. Criteria: Invitae Variant Classification Sherloc (09022015). Collection method: clinical testing. Allele origin: germline.
Comment: This variant has not been reported in the literature in individuals affected with SOS2-related conditions. This variant is not present in population databases (ExAC no frequency). This sequence change replaces serine with isoleucine at codon 482 of the SOS2 protein (p.Ser482Ile). The serine residue is moderately conserved and there is a large physicochemical difference between serine and isoleucine. Algorithms developed to predict the effect of missense changes on protein structure and function are either unavailable or do not agree on the potential impact of this missense change (SIFT: "Tolerated"; PolyPhen-2: "Possibly Damaging"; Align-GVGD: "Class C0"). In summary, the available evidence is currently insufficient to determine the role of this variant in disease. Therefore, it has been classified as a Variant of Uncertain Significance.

NM_006939.4(SOS2):c.1445G>T (p.Ser482Ile)

Gene: SOS2 (SOS Ras/Rho guanine nucleotide exchange factor 2; minus strand). Cytogenetic location: 14q21.3.
Variant type: single nucleotide variant.
Coding change: c.1445G>T on transcript NM_006939.4 (MANE Select); coding-DNA position 1445, G replaced by T.
Protein change: p.Ser482Ile; replaces serine 482 with isoleucine.
Molecular consequence: missense variant.
Genome position (GRCh38, 1-based): chr14:50,159,838, C>A on the plus strand (G>T on the coding strand, the complement: SOS2 is on the minus strand). VCF-style: chr14-50159838-C-A. GRCh37 (hg19) VCF-style: chr14-50626556-C-A.
Other names: c.1445G>T (NM_006939.2); short protein forms S482I.
Identifiers: ClinVar variation 1489882 (VCV001489882.7), dbSNP rs1195086721, ClinGen allele CA389645767.